The following is an entry in ClinVar:

ClinVar aggregate classification (germline): Conflicting classifications of pathogenicity. Review status: criteria provided, conflicting classifications (1 of 4 stars). 4 submissions from 4 submitters: Uncertain significance (3); Likely benign (1). Last evaluated 2025-11-18.

Conditions:
NPC1-related disorder. Also called: NPC1-related condition.
Niemann-Pick disease, type C1. Also called: NEUROVISCERAL STORAGE DISEASE WITH VERTICAL SUPRANUCLEAR OPHTHALMOPLEGIA; NIEMANN-PICK DISEASE WITH CHOLESTEROL ESTERIFICATION BLOCK; NIEMANN-PICK DISEASE WITHOUT SPHINGOMYELINASE DEFICIENCY; NIEMANN-PICK DISEASE, CHRONIC NEURONOPATHIC FORM; NIEMANN-PICK DISEASE, VARIANT TYPE C1. Identifiers: Orphanet 646, MedGen C3179455, MONDO:0009757, OMIM 257220.

Allele frequency attached by ClinVar (database versions not stated): ExAC 0.00010; gnomAD 0.00040 and 0.00045; TOPMed 0.00044; ESP Exome Variant Server 0.00054; gnomAD exomes 0.00004 and 0.00007.
gnomAD v4.1: 112 of 1,608,578 alleles (0.007%); highest among the groups gnomAD compares: African/African-American, 0.14%; no homozygotes.

Submissions (4):

Labcorp Genetics (formerly Invitae), Labcorp
Classification: Likely benign for Niemann-Pick disease, type C1. Last evaluated: 2025-11-18. Review status: criteria provided, single submitter. Criteria: Invitae Variant Classification Sherloc (09022015). Collection method: clinical testing. Allele origin: germline.

Women's Health and Genetics/Laboratory Corporation of America, LabCorp
Classification: Uncertain significance. Last evaluated: 2025-11-07. Review status: criteria provided, single submitter. Criteria: LabCorp Variant Classification Summary - May 2015. Collection method: clinical testing. Allele origin: germline.
Comment: Variant summary: NPC1 c.1766A>G (p.Asn589Ser) results in a conservative amino acid change in the encoded protein sequence. Algorithms developed to predict the effect of missense changes on protein structure and function all suggest that this variant is likely to be tolerated. The variant allele was found at a frequency of 0.00011 in 282664 control chromosomes, predominantly at a frequency of 0.0011 within the African or African-American subpopulation in the gnomAD database. This frequency is not significantly higher than estimated for disease-causing variants in NPC1, allowing no conclusion about variant significance. c.1766A>G has been observed in individual(s) affected with Niemann-Pick disease, type C1 and was evaluated as Benign (Wassif_2016). These report(s) do not provide unequivocal conclusions about association of the variant with Niemann-Pick disease, type C1. To our knowledge, no experimental evidence demonstrating an impact on protein function has been reported. The following publication has been ascertained in the context of this evaluation (PMID: 25764212). ClinVar contains an entry for this variant (Variation ID: 593806). Based on the evidence outlined above, the variant was classified as uncertain significance.

PreventionGenetics, part of Exact Sciences
Classification: Uncertain significance for NPC1-related condition. Last evaluated: 2025-07-22. Review status: criteria provided, single submitter. Criteria: ACMG Guidelines, 2015. Collection method: clinical testing. Allele origin: germline.
Comment: The NPC1 c.1766A>G variant is predicted to result in the amino acid substitution p.Asn589Ser. To our knowledge, this variant has not been reported in the literature. This variant is reported in 0.11% of alleles in individuals of African descent in gnomAD. At this time, the clinical significance of this variant is uncertain due to the absence of conclusive functional and genetic evidence.

Eurofins Ntd Llc (ga)
Classification: Uncertain significance. Last evaluated: 2018-04-10. Review status: criteria provided, single submitter. Criteria: EGL ClinVar v180209 classification definitions. Collection method: clinical testing. Allele origin: germline. Observed: 3 variant alleles, 3 heterozygotes.

Literature cited by the submitters: PubMed 25764212 (cited by Women's Health and Genetics/Laboratory Corporation of America, LabCorp).

NM_000271.5(NPC1):c.1766A>G (p.Asn589Ser)

Gene: NPC1 (NPC intracellular cholesterol transporter 1; minus strand). Cytogenetic location: 18q11.2.
Variant type: single nucleotide variant.
Coding change: c.1766A>G on transcript NM_000271.5 (MANE Select); coding-DNA position 1766, A replaced by G.
Protein change: p.Asn589Ser; replaces asparagine 589 with serine.
Molecular consequence: missense variant.
Genome position (GRCh38, 1-based): chr18:23,545,141, T>C on the plus strand (A>G on the coding strand, the complement: NPC1 is on the minus strand). VCF-style: chr18-23545141-T-C. GRCh37 (hg19) VCF-style: chr18-21125105-T-C.
Other names: short protein forms N589S.
Identifiers: ClinVar variation 593806 (VCV000593806.16), dbSNP rs147021046, ClinGen allele CA8913368.
Genomic context (GRCh38, chr18:23,545,141, plus strand): 5'-ATACTTCGTTCAGCAGTGAAGGAAATGGTCAGATTGGGATTCTTGTAGTTTTTCACAAAA[T>C]TAATAAACCTAAAAGGTAAGCAAAATGTTATATTTTTAGTTAAACTAACTGACAGCTAAG-3'
Protein context (NP_000262.2, residues 579-599): RAQAWEKEFI[Asn589Ser]FVKNYKNPNL